The following is an entry in ClinVar:

ClinVar aggregate classification (germline): Uncertain significance (1 of 4 stars; one submission).

Conditions:
Myasthenic syndrome, congenital, 22 (CMS22). Also called: PREPL DEFICIENCY. Identifiers: MedGen C4479088, MONDO:0044299, OMIM 616224.

Allele frequency attached by ClinVar (database versions not stated): TOPMed 0.00001; gnomAD exomes 0.00004; gnomAD 0.00005; ExAC 0.00010.
gnomAD v4.1: 69 of 1,605,078 alleles (0.0043%); highest among the groups gnomAD compares: Non-Finnish European, 0.0011%; no homozygotes.

Submission:

Labcorp Genetics (formerly Invitae), Labcorp
Classification: Uncertain significance for Myasthenic syndrome, congenital, 22. Last evaluated: 2022-06-27. Review status: criteria provided, single submitter. Criteria: Invitae Variant Classification Sherloc (09022015). Collection method: clinical testing. Allele origin: germline.
Comment: In summary, the available evidence is currently insufficient to determine the role of this variant in disease. Therefore, it has been classified as a Variant of Uncertain Significance. This variant is present in population databases (rs745462411, gnomAD 0.09%). This sequence change replaces tyrosine, which is neutral and polar, with aspartic acid, which is acidic and polar, at codon 122 of the PREPL protein (p.Tyr122Asp). Algorithms developed to predict the effect of missense changes on protein structure and function are either unavailable or do not agree on the potential impact of this missense change (SIFT: "Deleterious"; PolyPhen-2: "Probably Damaging"; Align-GVGD: "Class C0"). This variant has not been reported in the literature in individuals affected with PREPL-related conditions.

NM_001171613.2(PREPL):c.97T>G (p.Tyr33Asp)

Gene: PREPL (prolyl endopeptidase like; minus strand). Cytogenetic location: 2p21.
Variant type: single nucleotide variant.
Coding change: c.97T>G on transcript NM_001171613.2 (MANE Select); coding-DNA position 97, T replaced by G.
Protein change: p.Tyr33Asp; replaces tyrosine 33 with aspartic acid.
Molecular consequence: missense variant.
Genome position (GRCh38, 1-based): chr2:44,344,565, A>C on the plus strand (T>G on the coding strand, the complement: PREPL is on the minus strand). VCF-style: chr2-44344565-A-C. GRCh37 (hg19) VCF-style: chr2-44571704-A-C.
Other names: c.364T>G, p.Tyr122Asp (NM_001042385.2, NM_001042386.2, NM_001171603.1 and 4 more transcripts); c.97T>G, p.Tyr33Asp (NM_001171617.1, NM_001374277.1); short protein forms Y33D, Y122D.
Identifiers: ClinVar variation 1931425 (VCV001931425.5), dbSNP rs745462411, ClinGen allele CA1641625.